The following is an entry in ClinVar:

NM_000235.4(LIPA):c.279T>C (p.Ser93=)

Gene: LIPA (lipase A, lysosomal acid type; minus strand). Cytogenetic location: 10q23.31.
Variant type: single nucleotide variant.
Coding change: c.279T>C on transcript NM_000235.4 (MANE Select); coding-DNA position 279, T replaced by C.
Protein change: p.Ser93=; no amino-acid change (serine 93 retained).
Molecular consequence: synonymous variant. On other transcripts: 5 prime UTR variant (1).
Genome position (GRCh38, 1-based): chr10:89,228,349, A>G on the plus strand (T>C on the coding strand, the complement: LIPA is on the minus strand). VCF-style: chr10-89228349-A-G. GRCh37 (hg19) VCF-style: chr10-90988106-A-G.
Other names: p.Ser93=; c.279T>C, p.Ser93= (NM_001127605.3); c.-70T>C (NM_001288979.2).
Identifiers: ClinVar variation 595140 (VCV000595140.20), dbSNP rs1011619050, ClinGen allele CA211369927.

ClinVar aggregate classification (germline): Conflicting classifications of pathogenicity. Review status: criteria provided, conflicting classifications (1 of 4 stars). 5 submissions from 5 submitters: Uncertain significance (1); Likely benign (4). Last evaluated 2026-01-21.

Conditions:
Cardiovascular phenotype. Identifiers: MedGen CN230736.
Wolman disease (WOLD). Also called: Wolman disease, CESD; LYSOSOMAL ACID LIPASE DEFICIENCY, ACUTE INFANTILE; LYSOSOMAL ACID LIPASE DEFICIENCY, COMPLETE; LIPA DEFICIENCY, COMPLETE; LAL DEFICIENCY, COMPLETE; CHOLESTEROL ESTER HYDROLASE DEFICIENCY, COMPLETE. Identifiers: Orphanet 75233, MedGen C0043208, MONDO:0019148, OMIM 620151.
Lysosomal acid lipase deficiency. Also called: Acid cholesteryl ester hydrolase deficiency, type 2. Identifiers: Orphanet 275761, MedGen C5574740, MONDO:0800449, MONDO:0010204.

Allele frequency attached by ClinVar (database versions not stated): gnomAD exomes 0.00001 and 0.00003; TOPMed 0.00004; gnomAD 0.00001.
gnomAD v4.1: 43 of 1,614,112 alleles (0.0027%); highest among the groups gnomAD compares: Non-Finnish European, 0.0036%; no homozygotes.

Submissions (5):

Labcorp Genetics (formerly Invitae), Labcorp
Classification: Likely benign for Wolman disease. Last evaluated: 2026-01-21. Review status: criteria provided, single submitter. Criteria: Invitae Variant Classification Sherloc (09022015). Collection method: clinical testing. Allele origin: germline.

Mayo Clinic Laboratories, Mayo Clinic
Classification: Likely benign. Last evaluated: 2025-05-27. Review status: criteria provided, single submitter. Criteria: ACMG Guidelines, 2015. Collection method: clinical testing. Allele origin: germline. Observed: 1 variant allele.
Comment: BP4, BP7

GENinCode PLC
Classification: Likely benign for Lysosomal acid lipase deficiency. Last evaluated: 2023-12-27. Review status: criteria provided, single submitter. Criteria: ACMG Guidelines, 2015. Collection method: clinical testing. Allele origin: germline.
Comment: This is a synonymous (silent) variant that is not predicted by SpliceAI to impact splicing. In addition, it occurs at a nucleotide that is not conserved. Therefore this variant has been classified as Likely Benign (BP4, BP7).

Ambry Genetics
Classification: Likely benign for Cardiovascular phenotype. Last evaluated: 2019-12-21. Review status: criteria provided, single submitter. Criteria: Ambry Variant Classification Scheme 2023. Collection method: clinical testing. Allele origin: germline.

Eurofins Ntd Llc (ga)
Classification: Uncertain significance. Last evaluated: 2018-09-18. Review status: criteria provided, single submitter. Criteria: EGL ClinVar v180209 classification definitions. Collection method: clinical testing. Allele origin: germline. Observed: 3 variant alleles, 3 heterozygotes.